The following is an entry in ClinVar:

ClinVar aggregate classification (germline): Uncertain significance (1 of 4 stars; one submission).

Conditions:
Hyperphosphatasia with impaired intellectual development syndrome 2. Also called: Hyperphosphatasia with intellectual disability syndrome 2; GLYCOSYLPHOSPHATIDYLINOSITOL BIOSYNTHESIS DEFECT 6. Identifiers: Orphanet 247262, MedGen C3553637, MONDO:0013882, OMIM 614749.

Allele frequency attached by ClinVar (database versions not stated): gnomAD 0.00001.
gnomAD v4.1: 1 of 1,614,200 alleles (0.000062%); highest among the groups gnomAD compares: East Asian, 0.0022%; no homozygotes.

Submission:

Labcorp Genetics (formerly Invitae), Labcorp
Classification: Uncertain significance for Hyperphosphatasia with impaired intellectual development syndrome 2. Last evaluated: 2020-09-15. Review status: criteria provided, single submitter. Criteria: Invitae Variant Classification Sherloc (09022015). Collection method: clinical testing. Allele origin: germline.
Comment: In summary, the available evidence is currently insufficient to determine the role of this variant in disease. Therefore, it has been classified as a Variant of Uncertain Significance. Algorithms developed to predict the effect of missense changes on protein structure and function are either unavailable or do not agree on the potential impact of this missense change (SIFT: "Deleterious"; PolyPhen-2: "Probably Damaging"; Align-GVGD: "Class C0"). This variant has not been reported in the literature in individuals with PIGO-related conditions. This variant is not present in population databases (ExAC no frequency). This sequence change replaces valine with methionine at codon 71 of the PIGO protein (p.Val71Met). The valine residue is highly conserved and there is a small physicochemical difference between valine and methionine.

NM_032634.4(PIGO):c.211G>A (p.Val71Met)

Gene: PIGO (phosphatidylinositol glycan anchor biosynthesis class O; minus strand). Cytogenetic location: 9p13.3.
Variant type: single nucleotide variant.
Coding change: c.211G>A on transcript NM_032634.4 (MANE Select); coding-DNA position 211, G replaced by A.
Protein change: p.Val71Met; replaces valine 71 with methionine.
Molecular consequence: missense variant.
Genome position (GRCh38, 1-based): chr9:35,095,355, C>T on the plus strand (G>A on the coding strand, the complement: PIGO is on the minus strand). VCF-style: chr9-35095355-C-T. GRCh37 (hg19) VCF-style: chr9-35095352-C-T.
Other names: c.211G>A, p.Val71Met (NM_001201484.2, NM_152850.4); short protein forms V71M.
Identifiers: ClinVar variation 1062860 (VCV001062860.9), dbSNP rs540103270, ClinGen allele CA192716768.